The following is an entry in ClinVar:

ClinVar aggregate classification (germline): Pathogenic (1 of 4 stars; one submission).

Conditions:
Meckel-Gruber syndrome. Also called: DYSENCEPHALIA SPLANCHNOCYSTICA; GRUBER SYNDROME; Dysencephalia splachnocystica. Identifiers: Orphanet 564, MedGen C0265215, MONDO:0018921.
Nephronophthisis. Also called: Juvenile Nephronophthisis. Identifiers: Orphanet 655, MedGen C0687120, MONDO:0019005, HP:0000090.
Joubert syndrome. Also called: CEREBELLOPARENCHYMAL DISORDER IV; JOUBERT-BOLTSHAUSER SYNDROME; Familial aplasia of the vermis. Identifiers: Orphanet 475, MedGen C5979921, MONDO:0018772.

Allele frequency attached by ClinVar (database versions not stated): gnomAD 0.00001; TOPMed below 0.00001.

Submission:

Labcorp Genetics (formerly Invitae), Labcorp
Classification: Pathogenic for Joubert syndrome; Meckel-Gruber syndrome; Nephronophthisis. Last evaluated: 2023-12-01. Review status: criteria provided, single submitter. Criteria: Invitae Variant Classification Sherloc (09022015). Collection method: clinical testing. Allele origin: germline.
Comment: This sequence change affects a donor splice site in intron 30 of the CEP290 gene. It is expected to disrupt RNA splicing. Variants that disrupt the donor or acceptor splice site typically lead to a loss of protein function (PMID: 16199547), and loss-of-function variants in CEP290 are known to be pathogenic (PMID: 16909394, 17345604, 20690115). This variant is present in population databases (no rsID available, gnomAD 0.01%). Disruption of this splice site has been observed in individuals with retinal dystrophy and/or Senior-Loken syndrome (PMID: 26673778; Invitae). ClinVar contains an entry for this variant (Variation ID: 856191). Algorithms developed to predict the effect of sequence changes on RNA splicing suggest that this variant may disrupt the consensus splice site. For these reasons, this variant has been classified as Pathogenic.

Literature cited by the submitters: PubMed 16199547; PubMed 16909394; PubMed 17345604; PubMed 20690115; PubMed 26673778.

NM_025114.4(CEP290):c.3573+2T>C

Gene: CEP290 (centrosomal protein 290; minus strand). Cytogenetic location: 12q21.32.
Variant type: single nucleotide variant.
Coding change: c.3573+2T>C on transcript NM_025114.4 (MANE Select); the canonical splice donor site of the intron after coding-DNA position 3573, T replaced by C.
Molecular consequence: splice donor variant.
Genome position (GRCh38, 1-based): chr12:88,090,726, A>G on the plus strand (T>C on the coding strand, the complement: CEP290 is on the minus strand). VCF-style: chr12-88090726-A-G. GRCh37 (hg19) VCF-style: chr12-88484503-A-G.
Identifiers: ClinVar variation 856191 (VCV000856191.8), dbSNP rs1219277452, ClinGen allele CA386001535.